The following is an entry in ClinVar:

ClinVar aggregate classification (germline): Uncertain significance (1 of 4 stars; one submission).

Conditions:
TTN-related disorder. Also called: TTN-related condition; TTN-related disease; TTN-related disorders.

gnomAD v4.1: 12 of 1,613,368 alleles (0.00074%); highest among the groups gnomAD compares: South Asian, 0.0011%; no homozygotes.

Submission:

PreventionGenetics, part of Exact Sciences
Classification: Uncertain significance for TTN-related condition. Last evaluated: 2025-08-13. Review status: criteria provided, single submitter. Criteria: ACMG Guidelines, 2015. Collection method: clinical testing. Allele origin: germline.
Comment: The TTN c.75154C>T variant is predicted to result in the amino acid substitution p.Arg25052Cys. To our knowledge, this variant has not been reported in the literature. This variant is reported in 0.0080% of alleles in individuals of European (Finnish) descent in gnomAD. At this time, the clinical significance of this variant is uncertain due to the absence of conclusive functional and genetic evidence.

NM_001267550.2(TTN):c.75154C>T (p.Arg25052Cys)

Genes: TTN (titin; minus strand), TTN-AS1 (TTN antisense RNA 1; plus strand). Cytogenetic location: 2q31.2.
Variant type: single nucleotide variant.
Coding change: c.75154C>T on transcript NM_001267550.2 (MANE Select); coding-DNA position 75154, C replaced by T.
Protein change: p.Arg25052Cys; replaces arginine 25052 with cysteine.
Molecular consequence: missense variant.
Genome position (GRCh38, 1-based): chr2:178,570,978, G>A on the plus strand (C>T on the coding strand, the complement: TTN is on the minus strand). VCF-style: chr2-178570978-G-A. GRCh37 (hg19) VCF-style: chr2-179435705-G-A.
Other names: c.70231C>T, p.Arg23411Cys (NM_001256850.1); c.47959C>T, p.Arg15987Cys (NM_003319.4); c.67450C>T, p.Arg22484Cys (NM_133378.4); c.48334C>T, p.Arg16112Cys (NM_133432.3); c.48535C>T, p.Arg16179Cys (NM_133437.4); short protein forms R15987C, R16112C, R16179C, R22484C, R23411C, R25052C.
Identifiers: ClinVar variation 3354946 (VCV003354946.2).